The following is an entry in ClinVar:

NM_014251.3(SLC25A13):c.1030del (p.Thr344fs)

Gene: SLC25A13 (solute carrier family 25 member 13; minus strand). Cytogenetic location: 7q21.3.
Variant type: Deletion.
Coding change: c.1030del on transcript NM_014251.3 (MANE Select); coding-DNA position 1030, one base deleted (A; older notation c.1030delA).
Protein change: p.Thr344fs; shifts the reading frame from threonine 344.
Molecular consequence: frameshift variant. On other transcripts: non-coding transcript variant (1).
Genome position (GRCh38, 1-based): chr7:96,184,424, T deleted on the plus strand (A on the coding strand, the reverse complement: SLC25A13 is on the minus strand). VCF-style (leftmost placement, unchanged base first): chr7-96184423-GT-G. GRCh37 (hg19) VCF-style: chr7-95813735-GT-G.
Other names: c.1033del, p.Thr345fs (NM_001160210.2); short protein forms T345fs, T344fs.
Identifiers: ClinVar variation 4692072 (VCV004692072.1).
Genomic context (GRCh38, chr7:96,184,423, plus strand): 5'-GAGCCAGTTGATCGTTGGTTCTGCATTCGAGTTTTTACAAGATCGATAGGATACACAGCA[GT>G]GGCTCCAACAGCTAAAATTAAACAATATCATTATCTCAGAAGAAAGTAAGATAGGTCAGA-3'

ClinVar aggregate classification (germline): Pathogenic (1 of 4 stars; one submission).

Conditions:
Citrin deficiency. Identifiers: Orphanet 247582, MedGen C1997910, MONDO:0016602.

Submission:

Labcorp Genetics (formerly Invitae), Labcorp
Classification: Pathogenic for Citrin deficiency. Last evaluated: 2025-08-01. Review status: criteria provided, single submitter. Criteria: Invitae Variant Classification Sherloc (09022015). Collection method: clinical testing. Allele origin: germline.
Comment: This sequence change creates a premature translational stop signal (p.Thr344Leufs*9) in the SLC25A13 gene. It is expected to result in an absent or disrupted protein product. Loss-of-function variants in SLC25A13 are known to be pathogenic (PMID: 10369257, 14680984, 27405544). This variant is present in population databases (no rsID available, gnomAD 0.0009%). This variant has not been reported in the literature in individuals affected with SLC25A13-related conditions. For these reasons, this variant has been classified as Pathogenic.

Literature cited by the submitters: PubMed 10369257; PubMed 14680984; PubMed 27405544.